The following is an entry in ClinVar:

ClinVar aggregate classification (germline): Uncertain significance. Review status: criteria provided, multiple submitters, no conflicts (2 of 4 stars). 3 submissions from 3 submitters: Uncertain significance (3). Last evaluated 2025-08-16.

Conditions:
Arrhythmogenic right ventricular dysplasia 8 (ARVD8). Also called: Arrhythmogenic Right Ventricular Dysplasia/Cardiomyopathy 8; ARRHYTHMOGENIC RIGHT VENTRICULAR DYSPLASIA, FAMILIAL, 8; ARRHYTHMOGENIC RIGHT VENTRICULAR CARDIOMYOPATHY 8. Identifiers: MedGen C1843896, MONDO:0011831, OMIM 607450.
Arrhythmogenic cardiomyopathy with wooly hair and keratoderma. Also called: PALMOPLANTAR KERATODERMA WITH LEFT VENTRICULAR CARDIOMYOPATHY AND WOOLLY HAIR; Dilated cardiomyopathy with woolly hair and keratoderma; Arrhythmogenic cardiomyopathy with woolly hair and keratoderma; Carvajal syndrome. Identifiers: Orphanet 65282, MedGen C1854063, MONDO:0011581, OMIM 605676.
Cardiomyopathy (CMYO). Also called: Cardiomyopathies. Identifiers: Orphanet 167848, MedGen C0878544, MONDO:0004994, HP:0001638. Inheritance: Various modes of inheritance.

Submissions (3):

Labcorp Genetics (formerly Invitae), Labcorp
Classification: Uncertain significance for Arrhythmogenic cardiomyopathy with wooly hair and keratoderma; Arrhythmogenic right ventricular dysplasia 8. Last evaluated: 2025-08-16. Review status: criteria provided, single submitter. Criteria: Invitae Variant Classification Sherloc (09022015). Collection method: clinical testing. Allele origin: germline.
Comment: This sequence change replaces isoleucine, which is neutral and non-polar, with phenylalanine, which is neutral and non-polar, at codon 1253 of the DSP protein (p.Ile1253Phe). This variant is not present in population databases (gnomAD no frequency). This variant has not been reported in the literature in individuals affected with DSP-related conditions. ClinVar contains an entry for this variant (Variation ID: 2775298). An algorithm developed to predict the effect of missense changes on protein structure and function (PolyPhen-2) suggests that this variant is likely to be tolerated. In summary, the available evidence is currently insufficient to determine the role of this variant in disease. Therefore, it has been classified as a Variant of Uncertain Significance.

All of Us Research Program, National Institutes of Health
Classification: Uncertain significance for Arrhythmogenic cardiomyopathy with wooly hair and keratoderma. Last evaluated: 2024-04-16. Review status: criteria provided, single submitter. Criteria: ACMG Guidelines, 2015. Collection method: clinical testing. Allele origin: germline. Inheritance: Autosomal dominant inheritance. Observed: 1 variant allele, 1 heterozygote.
Comment: This missense variant replaces isoleucine with phenylalanine at codon 1253 of the DSP protein. Computational prediction suggests that this variant may not impact protein structure and function (internally defined REVEL score threshold <= 0.5, PMID: 27666373). To our knowledge, functional studies have not been reported for this variant. This variant has not been reported in individuals affected with cardiovascular disorders in the literature. This variant has not been identified in the general population by the Genome Aggregation Database (gnomAD). The available evidence is insufficient to determine the role of this variant in disease conclusively. Therefore, this variant is classified as a Variant of Uncertain Significance.

This study involves interpretation of variants in research participants for the purpose of population health screening. Participant phenotype was not available at the time of variant classification. Additional details can be found in publication PMID: 35346344, PMCID: PMC8962531

Color Diagnostics, LLC DBA Color Health
Classification: Uncertain significance for Cardiomyopathy. Last evaluated: 2024-03-06. Review status: criteria provided, single submitter. Criteria: ACMG Guidelines, 2015. Collection method: clinical testing. Allele origin: germline.
Comment: This missense variant replaces isoleucine with phenylalanine at codon 1253 of the DSP protein. Computational prediction suggests that this variant may not impact protein structure and function (internally defined REVEL score threshold <= 0.5, PMID: 27666373). To our knowledge, functional studies have not been reported for this variant. This variant has not been reported in individuals affected with cardiovascular disorders in the literature. This variant has not been identified in the general population by the Genome Aggregation Database (gnomAD). The available evidence is insufficient to determine the role of this variant in disease conclusively. Therefore, this variant is classified as a Variant of Uncertain Significance.

NM_004415.4(DSP):c.3757A>T (p.Ile1253Phe)

Gene: DSP (desmoplakin; plus strand). Cytogenetic location: 6p24.3.
Variant type: single nucleotide variant.
Coding change: c.3757A>T on transcript NM_004415.4 (MANE Select); coding-DNA position 3757, A replaced by T.
Protein change: p.Ile1253Phe; replaces isoleucine 1253 with phenylalanine.
Molecular consequence: missense variant. On other transcripts: intron variant (1).
Genome position (GRCh38, 1-based): chr6:7,579,947, A>T. VCF-style: chr6-7579947-A-T. GRCh37 (hg19) VCF-style: chr6-7580180-A-T.
Other names: c.3757A>T, p.Ile1253Phe (NM_001319034.2); c.3582+175A>T (NM_001008844.3); short protein forms I1253F.
Identifiers: ClinVar variation 2775298 (VCV002775298.4), dbSNP rs924651718, ClinGen allele CA362684793.